The following is an entry in ClinVar:

NM_020778.5(ALPK3):c.3889_4038del150 (p.Gln1297_Cys1346del)

Gene: ALPK3 (alpha kinase 3; plus strand). Cytogenetic location: 15q25.3.
Variant type: Deletion.
Coding change: c.3889_4038del150 on transcript NM_020778.5 (MANE Select); coding-DNA positions 3889 to 4038, 150 bases deleted.
Protein change: p.Gln1297_Cys1346del.
Molecular consequence: splice acceptor variant, splice donor variant, inframe deletion.
Genome position: GRCh38: chr15:84,859,314-84,859,848. GRCh37 (hg19): chr15:85,402,545-85,403,079.
Identifiers: ClinVar variation 4727555 (VCV004727555.1).

ClinVar aggregate classification (germline): Uncertain significance (1 of 4 stars; one submission).

Submission:

Labcorp Genetics (formerly Invitae), Labcorp
Classification: Uncertain significance. Last evaluated: 2025-09-21. Review status: criteria provided, single submitter. Criteria: Invitae Variant Classification Sherloc (09022015). Collection method: clinical testing. Allele origin: germline.
Comment: This variant results in the deletion of part of exons 7-8 (c.4495_4644del) of the ALPK3 gene. This variant would be expected to be in-frame, preserving the integrity of the reading frame. This variant is not present in population databases (gnomAD no frequency). This variant has not been reported in the literature in individuals affected with ALPK3-related conditions. Experimental studies and prediction algorithms are not available or were not evaluated, and the functional significance of this variant is currently unknown. In summary, the available evidence is currently insufficient to determine the role of this variant in disease. Therefore, it has been classified as a Variant of Uncertain Significance.